The following is an entry in ClinVar:

NM_080669.6(SLC46A1):c.*1648G>A

Genes: SARM1 (sterile alpha and TIR motif containing 1; plus strand), SLC46A1 (solute carrier family 46 member 1; minus strand). Cytogenetic location: 17q11.2.
Variant type: single nucleotide variant.
Coding change: c.*1648G>A on transcript NM_080669.6 (MANE Select); 1648 bases downstream of the stop codon, G replaced by A.
Molecular consequence: 3 prime UTR variant.
Genome position (GRCh38, 1-based): chr17:28,398,008, C>T on the plus strand (G>A on the coding strand, the complement: SLC46A1 is on the minus strand). VCF-style: chr17-28398008-C-T. GRCh37 (hg19) VCF-style: chr17-26725024-C-T.
Other names: c.*1648G>A (NM_001242366.3); c.*1722C>T (NM_015077.4).
Identifiers: ClinVar variation 322382 (VCV000322382.5), dbSNP rs114008979, ClinGen allele CA10645178.

ClinVar aggregate classification (germline): Likely benign (1 of 4 stars; one submission).

Conditions:
Congenital defect of folate absorption. Also called: Hereditary Folate Malabsorption. Identifiers: Orphanet 90045, MedGen C0342705, MONDO:0009238, OMIM 229050.

Allele frequency attached by ClinVar (database versions not stated): gnomAD 0.00274 and 0.00295; 1000 Genomes Project 0.00280; TOPMed 0.00287; 1000 Genomes Project 30x 0.00297.

Submission:

Illumina Laboratory Services, Illumina
Classification: Likely benign for Congenital defect of folate absorption. Last evaluated: 2018-01-12. Review status: criteria provided, single submitter. Criteria: ICSL Variant Classification Criteria 13 December 2019. Collection method: clinical testing. Allele origin: germline.
Comment: This variant was observed in the ICSL laboratory as part of a predisposition screen in an ostensibly healthy population. It had not been previously curated by ICSL or reported in the Human Gene Mutation Database (HGMD: prior to June 1st, 2018), and was therefore a candidate for classification through an automated scoring system. Utilizing variant allele frequency, disease prevalence and penetrance estimates, and inheritance mode, an automated score was calculated to assess if this variant is too frequent to cause the disease. Based on the score and internal cut-off values, a variant classified as likely benign is not then subjected to further curation. The score for this variant resulted in a classification of likely benign for this disease.